The following is an entry in ClinVar:

NM_001267550.2(TTN):c.6853G>A (p.Glu2285Lys)

Genes: TTN (titin; minus strand), LOC126806433 (BRD4-independent group 4 enhancer GRCh37_chr2:179638309-179639508; plus strand). Cytogenetic location: 2q31.2.
Variant type: single nucleotide variant.
Coding change: c.6853G>A on transcript NM_001267550.2 (MANE Select); coding-DNA position 6853, G replaced by A.
Protein change: p.Glu2285Lys; replaces glutamic acid 2285 with lysine.
Molecular consequence: missense variant.
Genome position (GRCh38, 1-based): chr2:178,774,411, C>T on the plus strand (G>A on the coding strand, the complement: TTN is on the minus strand). VCF-style: chr2-178774411-C-T. GRCh37 (hg19) VCF-style: chr2-179639138-C-T.
Other names: c.6853G>A, p.Glu2285Lys (NM_001256850.1, NM_133378.4, NM_133379.5); c.6715G>A, p.Glu2239Lys (NM_003319.4, NM_133432.3, NM_133437.4); short protein forms E2239K, E2285K.
Identifiers: ClinVar variation 4074675 (VCV004074675.1).

ClinVar aggregate classification (germline): Uncertain significance (1 of 4 stars; one submission).

Submission:

GeneDx
Classification: Uncertain significance. Last evaluated: 2025-02-11. Review status: criteria provided, single submitter. Criteria: GeneDx Variant Classification Process June 2021. Collection method: clinical testing. Allele origin: germline. Affected: yes.
Comment: Not observed at significant frequency in large population cohorts (gnomAD); Missense variant in a gene in which most reported pathogenic variants are truncating/loss of function; Has not been previously published as pathogenic or benign to our knowledge